The following is an entry in ClinVar:

ClinVar aggregate classification (germline): Uncertain significance (1 of 4 stars; one submission).

Submission:

GeneDx
Classification: Uncertain significance. Last evaluated: 2024-07-01. Review status: criteria provided, single submitter. Criteria: GeneDx Variant Classification Process June 2021. Collection method: clinical testing. Allele origin: germline. Affected: yes.
Comment: Not observed at significant frequency in large population cohorts (gnomAD); In silico analysis indicates that this missense variant does not alter protein structure/function; Has not been previously published as pathogenic or benign to our knowledge

NM_000810.4(GABRA5):c.1072G>A (p.Glu358Lys)

Gene: GABRA5 (gamma-aminobutyric acid type A receptor subunit alpha5; plus strand). Cytogenetic location: 15q12.
Variant type: single nucleotide variant.
Coding change: c.1072G>A on transcript NM_000810.4 (MANE Select); coding-DNA position 1072, G replaced by A.
Protein change: p.Glu358Lys; replaces glutamic acid 358 with lysine.
Molecular consequence: missense variant.
Genome position (GRCh38, 1-based): chr15:26,943,409, G>A. VCF-style: chr15-26943409-G-A. GRCh37 (hg19) VCF-style: chr15-27188556-G-A.
Other names: c.1072G>A, p.Glu358Lys (NM_001165037.2); short protein forms E358K.
Identifiers: ClinVar variation 3393583 (VCV003393583.1).